The following is an entry in ClinVar:

ClinVar aggregate classification (germline): Conflicting classifications of pathogenicity. Review status: criteria provided, conflicting classifications (1 of 4 stars). 2 submissions from 2 submitters: Pathogenic (1); Uncertain significance (1). Last evaluated 2025-08-13.

Submissions (2):

Labcorp Genetics (formerly Invitae), Labcorp
Classification: Pathogenic. Last evaluated: 2025-08-13. Review status: criteria provided, single submitter. Criteria: Invitae Variant Classification Sherloc (09022015). Collection method: clinical testing. Allele origin: germline.
Comment: This sequence change creates a premature translational stop signal (p.Glu350Ilefs*6) in the MME gene. It is expected to result in an absent or disrupted protein product. Loss-of-function variants in MME are known to be pathogenic (PMID: 26991897). This variant is present in population databases (rs767841325, gnomAD 0.01%). This variant has not been reported in the literature in individuals affected with MME-related conditions. ClinVar contains an entry for this variant (Variation ID: 1074276). Algorithms developed to predict the effect of sequence changes on RNA splicing suggest that this variant may disrupt the consensus splice site. For these reasons, this variant has been classified as Pathogenic.

GeneDx
Classification: Uncertain significance. Last evaluated: 2025-05-20. Review status: criteria provided, single submitter. Criteria: GeneDx Variant Classification Process June 2021. Collection method: clinical testing. Allele origin: germline. Affected: yes.
Comment: Frameshift variant predicted to result in protein truncation or nonsense mediated decay in a gene for which loss of function is a known mechanism of disease; Has not been previously published as pathogenic or benign to our knowledge

Literature cited by the submitters: PubMed 26991897 (cited by Labcorp Genetics (formerly Invitae), Labcorp).

NM_007289.4(MME):c.1048_1049del (p.Glu350fs)

Gene: MME (membrane metalloendopeptidase; plus strand). Cytogenetic location: 3q25.2.
Variant type: Deletion.
Coding change: c.1048_1049del on transcript NM_007289.4 (MANE Select); coding-DNA positions 1048 to 1049, 2 bases deleted (GA; older notation c.1048_1049delGA).
Protein change: p.Glu350fs; shifts the reading frame from glutamic acid 350.
Molecular consequence: frameshift variant.
Genome position (GRCh38, 1-based): chr3:155,142,081-155,142,082, GA deleted; deleting any 2 consecutive bases within chr3:155,142,080-155,142,082 gives the same sequence; the c. name uses the placement nearest the transcript's 3' end. VCF-style (leftmost placement, unchanged base first): chr3-155142079-CAG-C. GRCh37 (hg19) VCF-style: chr3-154859868-CAG-C.
Other names: c.1048_1049del (NM_007289.2); c.1048_1049del, p.Glu350fs (NM_000902.5, NM_001354642.2, NM_001354643.1 and 2 more transcripts); short protein forms E350fs.
Identifiers: ClinVar variation 1074276 (VCV001074276.8), dbSNP rs767841325, ClinGen allele CA2675367.